The following is an entry in ClinVar:

NM_018671.5(UNC45A):c.486C>A (p.Asp162Glu)

Gene: UNC45A (unc-45 myosin chaperone A; plus strand). Cytogenetic location: 15q26.1.
Variant type: single nucleotide variant.
Coding change: c.486C>A on transcript NM_018671.5 (MANE Select); coding-DNA position 486, C replaced by A.
Protein change: p.Asp162Glu; replaces aspartic acid 162 with glutamic acid.
Molecular consequence: missense variant.
Genome position (GRCh38, 1-based): chr15:90,939,790, C>A. VCF-style: chr15-90939790-C-A. GRCh37 (hg19) VCF-style: chr15-91483020-C-A.
Other names: c.441C>A, p.Asp147Glu (NM_001039675.2, NM_001323621.2); c.486C>A, p.Asp162Glu (NM_001323619.1); c.51C>A, p.Asp17Glu (NM_001323620.2); short protein forms D147E, D162E, D17E.
Identifiers: ClinVar variation 2003412 (VCV002003412.3), dbSNP rs1264905814, ClinGen allele CA393848678.
Genomic context (GRCh38, chr15:90,939,790, plus strand): 5'-GGTGCGATACATGTCCTCGACGGATGCCAAAGTGGAACAGATGTTTCAGATACTGTTGGA[C>A]CCAGAAGAGAAGGGCACTGAGAAAAAGCAAAAGGTATAGGCCCTGGGCTGAGTCAGTGAG-3'
Protein context (NP_061141.2, residues 152-172): KVEQMFQILL[Asp162Glu]PEEKGTEKKQ

ClinVar aggregate classification (germline): Uncertain significance (1 of 4 stars; one submission).

Allele frequency attached by ClinVar (database versions not stated): gnomAD 0.00001; gnomAD exomes 0.00001.
gnomAD v4.1: 5 of 1,614,056 alleles (0.00031%); highest among the groups gnomAD compares: Non-Finnish European, 0.00042%; no homozygotes.

Submission:

Labcorp Genetics (formerly Invitae), Labcorp
Classification: Uncertain significance. Last evaluated: 2022-06-13. Review status: criteria provided, single submitter. Criteria: Invitae Variant Classification Sherloc (09022015). Collection method: clinical testing. Allele origin: germline.
Comment: This variant is present in population databases (no rsID available, gnomAD 0.03%). This variant has not been reported in the literature in individuals affected with UNC45A-related conditions. Algorithms developed to predict the effect of missense changes on protein structure and function are either unavailable or do not agree on the potential impact of this missense change (SIFT: "Not Available"; PolyPhen-2: "Possibly Damaging"; Align-GVGD: "Not Available"). In summary, the available evidence is currently insufficient to determine the role of this variant in disease. Therefore, it has been classified as a Variant of Uncertain Significance. This sequence change replaces aspartic acid, which is acidic and polar, with glutamic acid, which is acidic and polar, at codon 162 of the UNC45A protein (p.Asp162Glu).